The following is an entry in ClinVar:

NM_139058.3(ARX):c.1299_1313dup (p.Ala440_Phe441insAlaAlaAlaAlaAla)

Gene: ARX (aristaless related homeobox; minus strand). Cytogenetic location: Xp21.3.
Variant type: Duplication.
Coding change: c.1299_1313dup on transcript NM_139058.3 (MANE Select); coding-DNA positions 1299 to 1313, 15 bases duplicated (TGCCGCCGCCGCCGC).
Protein change: p.Ala440_Phe441insAlaAlaAlaAlaAla.
Molecular consequence: inframe insertion.
Genome position (GRCh38, 1-based): chrX:25,007,246-25,007,260, GCGGCGGCGGCGGCA duplicated on the plus strand (TGCCGCCGCCGCCGC on the coding strand, the reverse complement: ARX is on the minus strand); duplicating any 15 consecutive bases within chrX:25,007,246-25,007,265 gives the same sequence; the c. name uses the placement nearest the transcript's 3' end. VCF-style (leftmost placement, unchanged base first): chrX-25007245-G-GGCGGCGGCGGCGGCA. GRCh37 (hg19) VCF-style: chrX-25025362-G-GGCGGCGGCGGCGGCA.
Identifiers: ClinVar variation 2952364 (VCV002952364.3), dbSNP rs2519101662, ClinGen allele CA2740092067.

ClinVar aggregate classification (germline): Uncertain significance (1 of 4 stars; one submission).

Conditions:
Intellectual disability, X-linked, with or without seizures, ARX-related. Also called: MENTAL RETARDATION, X-LINKED 29; MENTAL RETARDATION, X-LINKED 32; MENTAL RETARDATION, X-LINKED 33; MENTAL RETARDATION, X-LINKED 38; MENTAL RETARDATION, X-LINKED 43; MENTAL RETARDATION, X-LINKED 76. Identifiers: Orphanet 777, MedGen C0796244, MONDO:0010317, OMIM 300419.
Developmental and epileptic encephalopathy, 1 (DEE1). Also called: X-linked infantile spasms; West's syndrome; Tonic spasms with clustering, arrest of psychomotor development and hypsarrhythmia on EEG; X-Linked Infantile Spasm Syndrome; OHTAHARA SYNDROME, X-LINKED; Epileptic encephalopathy, early infantile, 1. Identifiers: MedGen C3463992, MONDO:0010632, OMIM 308350. Disease mechanism: loss of function.

Submission:

Labcorp Genetics (formerly Invitae), Labcorp
Classification: Uncertain significance for Developmental and epileptic encephalopathy, 1; Intellectual disability, X-linked, with or without seizures, ARX-related. Last evaluated: 2023-09-29. Review status: criteria provided, single submitter. Criteria: Invitae Variant Classification Sherloc (09022015). Collection method: clinical testing. Allele origin: germline.
Comment: This variant, c.1299_1313dup, results in the insertion of 5 amino acid(s) of the ARX protein (p.Ala436_Ala440dup), but otherwise preserves the integrity of the reading frame. This variant is not present in population databases (gnomAD no frequency). This variant has not been reported in the literature in individuals affected with ARX-related conditions. In summary, the available evidence is currently insufficient to determine the role of this variant in disease. Therefore, it has been classified as a Variant of Uncertain Significance.